The following is an entry in ClinVar:

ClinVar aggregate classification (germline): Uncertain significance (1 of 4 stars; one submission).

gnomAD v4.1: 1 of 1,613,948 alleles (0.000062%); highest among the groups gnomAD compares: Middle Eastern, 0.017%; no homozygotes.

Submission:

Labcorp Genetics (formerly Invitae), Labcorp
Classification: Uncertain significance. Last evaluated: 2025-12-29. Review status: criteria provided, single submitter. Criteria: Invitae Variant Classification Sherloc (09022015). Collection method: clinical testing. Allele origin: germline.
Comment: This sequence change replaces methionine, which is neutral and non-polar, with arginine, which is basic and polar, at codon 59 of the CLCN7 protein (p.Met59Arg). This variant is not present in population databases (gnomAD no frequency). This variant has not been reported in the literature in individuals affected with CLCN7-related conditions. Invitae Evidence Modeling of protein sequence and biophysical properties (such as structural, functional, and spatial information, amino acid conservation, physicochemical variation, residue mobility, and thermodynamic stability) indicates that this missense variant is not expected to disrupt CLCN7 protein function with a negative predictive value of 95%. In summary, the available evidence is currently insufficient to determine the role of this variant in disease. Therefore, it has been classified as a Variant of Uncertain Significance.

NM_001287.6(CLCN7):c.176T>G (p.Met59Arg)

Gene: CLCN7 (Cl-/H+ antiporter 7; minus strand). Cytogenetic location: 16p13.3.
Variant type: single nucleotide variant.
Coding change: c.176T>G on transcript NM_001287.6 (MANE Select); coding-DNA position 176, T replaced by G.
Protein change: p.Met59Arg; replaces methionine 59 with arginine.
Molecular consequence: missense variant. On other transcripts: intron variant (1).
Genome position (GRCh38, 1-based): chr16:1,465,304, A>C on the plus strand (T>G on the coding strand, the complement: CLCN7 is on the minus strand). VCF-style: chr16-1465304-A-C. GRCh37 (hg19) VCF-style: chr16-1515305-A-C.
Other names: c.142-3630T>G (NM_001114331.3); short protein forms M59R.
Identifiers: ClinVar variation 4802822 (VCV004802822.1).
Genomic context (GRCh38, chr16:1,465,304, plus strand): 5'-GACGGGGAACACCCCCAACTCACCGGGTCCAAAAGTTCATCATCCAGCTCCACGCTGCTC[A>C]TATGTCCGACTCGGAAAAGCGCAGAACGTGGTGACTAAAAGCAGAAGAGAAATCATGAGG-3'
Protein context (NP_001278.1, residues 49-69): PRSALFRVGH[Met59Arg]SSVELDDELL